The following is an entry in ClinVar:

NM_005097.4(LGI1):c.1598G>A (p.Arg533His)

Gene: LGI1 (leucine rich glioma inactivated 1; plus strand). Cytogenetic location: 10q23.33.
Variant type: single nucleotide variant.
Coding change: c.1598G>A on transcript NM_005097.4 (MANE Select); coding-DNA position 1598, G replaced by A.
Protein change: p.Arg533His; replaces arginine 533 with histidine.
Molecular consequence: missense variant. On other transcripts: non-coding transcript variant (1), intron variant (1).
Genome position (GRCh38, 1-based): chr10:93,797,727, G>A. VCF-style: chr10-93797727-G-A. GRCh37 (hg19) VCF-style: chr10-95557484-G-A.
Other names: c.1454G>A, p.Arg485His (NM_001308276.2); c.839-22G>A (NM_001308275.2); short protein forms R485H, R533H.
Identifiers: ClinVar variation 1022732 (VCV001022732.12), dbSNP rs543647504, ClinGen allele CA5611283.

ClinVar aggregate classification (germline): Uncertain significance. Review status: criteria provided, multiple submitters, no conflicts (2 of 4 stars). 2 submissions from 2 submitters: Uncertain significance (2). Last evaluated 2025-11-24.

Conditions:
Autosomal dominant epilepsy with auditory features. Identifiers: Orphanet 101046, MedGen C1838062, MONDO:0010898.

Allele frequency attached by ClinVar (database versions not stated): gnomAD 0.00002; gnomAD exomes 0.00003 and 0.00004; TOPMed 0.00006; ExAC 0.00007; 1000 Genomes Project 30x 0.00016; 1000 Genomes Project 0.00020.
gnomAD v4.1: 42 of 1,612,194 alleles (0.0026%); highest among the groups gnomAD compares: South Asian, 0.019%; no homozygotes.

Submissions (2):

Labcorp Genetics (formerly Invitae), Labcorp
Classification: Uncertain significance for Autosomal dominant epilepsy with auditory features. Last evaluated: 2025-11-24. Review status: criteria provided, single submitter. Criteria: Invitae Variant Classification Sherloc (09022015). Collection method: clinical testing. Allele origin: germline.
Comment: This sequence change replaces arginine, which is basic and polar, with histidine, which is basic and polar, at codon 533 of the LGI1 protein (p.Arg533His). This variant is present in population databases (rs543647504, gnomAD 0.02%). This variant has not been reported in the literature in individuals affected with LGI1-related conditions. ClinVar contains an entry for this variant (Variation ID: 1022732). Invitae Evidence Modeling of protein sequence and biophysical properties (such as structural, functional, and spatial information, amino acid conservation, physicochemical variation, residue mobility, and thermodynamic stability) indicates that this missense variant is not expected to disrupt LGI1 protein function with a negative predictive value of 80%. In summary, the available evidence is currently insufficient to determine the role of this variant in disease. Therefore, it has been classified as a Variant of Uncertain Significance.

GeneDx
Classification: Uncertain significance. Last evaluated: 2022-06-17. Review status: criteria provided, single submitter. Criteria: GeneDx Variant Classification Process June 2021. Collection method: clinical testing. Allele origin: germline. Affected: yes.
Comment: In silico analysis supports that this missense variant has a deleterious effect on protein structure/function; Has not been previously published as pathogenic or benign to our knowledge